The following is an entry in ClinVar:

ClinVar aggregate classification (germline): Uncertain significance. Review status: criteria provided, multiple submitters, no conflicts (2 of 4 stars). 2 submissions from 2 submitters: Uncertain significance (2). Last evaluated 2024-11-25.

Conditions:
NYX-related disorder. Also called: NYX-related condition.

Submissions (2):

PreventionGenetics, part of Exact Sciences
Classification: Uncertain significance for NYX-related condition. Last evaluated: 2024-11-25. Review status: criteria provided, single submitter. Criteria: ACMG Guidelines, 2015. Collection method: clinical testing. Allele origin: germline.
Comment: The NYX c.145G>A variant is predicted to result in the amino acid substitution p.Asp49Asn. To our knowledge, this variant has not been reported in the literature or in a large population database (gnomAD), indicating this variant is rare. At this time, the clinical significance of this variant is uncertain due to the absence of conclusive functional and genetic evidence.

Labcorp Genetics (formerly Invitae), Labcorp
Classification: Uncertain significance. Last evaluated: 2024-04-25. Review status: criteria provided, single submitter. Criteria: Invitae Variant Classification Sherloc (09022015). Collection method: clinical testing. Allele origin: germline.
Comment: This sequence change replaces aspartic acid, which is acidic and polar, with asparagine, which is neutral and polar, at codon 49 of the NYX protein (p.Asp49Asn). The frequency data for this variant in the population databases is considered unreliable, as metrics indicate insufficient coverage at this position in the gnomAD database. This variant has not been reported in the literature in individuals affected with NYX-related conditions. Advanced modeling of protein sequence and biophysical properties (such as structural, functional, and spatial information, amino acid conservation, physicochemical variation, residue mobility, and thermodynamic stability) performed at Invitae indicates that this missense variant is not expected to disrupt NYX protein function with a negative predictive value of 80%. In summary, the available evidence is currently insufficient to determine the role of this variant in disease. Therefore, it has been classified as a Variant of Uncertain Significance.

NM_001378477.3(NYX):c.130G>A (p.Asp44Asn)

Gene: NYX (nyctalopin; plus strand). Cytogenetic location: Xp11.4.
Variant type: single nucleotide variant.
Coding change: c.130G>A on transcript NM_001378477.3 (MANE Select); coding-DNA position 130, G replaced by A.
Protein change: p.Asp44Asn; replaces aspartic acid 44 with asparagine.
Molecular consequence: missense variant.
Genome position (GRCh38, 1-based): chrX:41,473,598, G>A. VCF-style: chrX-41473598-G-A. GRCh37 (hg19) VCF-style: chrX-41332851-G-A.
Other names: c.130G>A, p.Asp44Asn (NM_022567.3); c.145G>A (NM_022567.2); short protein forms D44N.
Identifiers: ClinVar variation 3685880 (VCV003685880.3).